The following is an entry in ClinVar:

NM_015295.3(SMCHD1):c.5215A>G (p.Met1739Val)

Gene: SMCHD1 (structural maintenance of chromosomes flexible hinge domain containing 1; plus strand). Cytogenetic location: 18p11.32.
Variant type: single nucleotide variant.
Coding change: c.5215A>G on transcript NM_015295.3 (MANE Select); coding-DNA position 5215, A replaced by G.
Protein change: p.Met1739Val; replaces methionine 1739 with valine.
Molecular consequence: missense variant.
Genome position (GRCh38, 1-based): chr18:2,775,773, A>G. VCF-style: chr18-2775773-A-G. GRCh37 (hg19) VCF-style: chr18-2775771-A-G.
Other names: short protein forms M1739V.
Identifiers: ClinVar variation 4805884 (VCV004805884.1).

ClinVar aggregate classification (germline): Uncertain significance (1 of 4 stars; one submission).

Conditions:
Facioscapulohumeral muscular dystrophy 2 (FSHD2). Also called: FACIOSCAPULOHUMERAL MUSCULAR DYSTROPHY 2, DIGENIC; FSHD2, DIGENIC; MUSCULAR DYSTROPHY, FACIOSCAPULOHUMERAL, TYPE 1B. Identifiers: Orphanet 269, MedGen C1834671, MONDO:0008031, OMIM 158901.

Submission:

Labcorp Genetics (formerly Invitae), Labcorp
Classification: Uncertain significance for Facioscapulohumeral muscular dystrophy 2. Last evaluated: 2025-10-23. Review status: criteria provided, single submitter. Criteria: Invitae Variant Classification Sherloc (09022015). Collection method: clinical testing. Allele origin: germline.
Comment: This sequence change replaces methionine, which is neutral and non-polar, with valine, which is neutral and non-polar, at codon 1739 of the SMCHD1 protein (p.Met1739Val). This variant is present in population databases (rs761230936, gnomAD 0.002%). This variant has not been reported in the literature in individuals affected with SMCHD1-related conditions. Invitae Evidence Modeling of protein sequence and biophysical properties (such as structural, functional, and spatial information, amino acid conservation, physicochemical variation, residue mobility, and thermodynamic stability) indicates that this missense variant is not expected to disrupt SMCHD1 protein function with a negative predictive value of 80%. In summary, the available evidence is currently insufficient to determine the role of this variant in disease. Therefore, it has been classified as a Variant of Uncertain Significance.